The following is an entry in ClinVar:

NM_004481.5(GALNT2):c.913A>G (p.Met305Val)

Gene: GALNT2 (polypeptide N-acetylgalactosaminyltransferase 2; plus strand). Cytogenetic location: 1q42.13.
Variant type: single nucleotide variant.
Coding change: c.913A>G on transcript NM_004481.5 (MANE Select); coding-DNA position 913, A replaced by G.
Protein change: p.Met305Val; replaces methionine 305 with valine.
Molecular consequence: missense variant.
Genome position (GRCh38, 1-based): chr1:230,250,464, A>G. VCF-style: chr1-230250464-A-G. GRCh37 (hg19) VCF-style: chr1-230386210-A-G.
Other names: c.799A>G, p.Met267Val (NM_001291866.2); short protein forms M305V, M267V.
Identifiers: ClinVar variation 1950673 (VCV001950673.5), dbSNP rs1358319771, ClinGen allele CA345185341.

ClinVar aggregate classification (germline): Uncertain significance (1 of 4 stars; one submission).

gnomAD v4.1: 5 of 1,613,238 alleles (0.00031%); highest among the groups gnomAD compares: Non-Finnish European, 0.00034%; no homozygotes.

Submission:

Labcorp Genetics (formerly Invitae), Labcorp
Classification: Uncertain significance. Last evaluated: 2022-02-08. Review status: criteria provided, single submitter. Criteria: Invitae Variant Classification Sherloc (09022015). Collection method: clinical testing. Allele origin: germline.
Comment: This variant is not present in population databases (gnomAD no frequency). This sequence change replaces methionine, which is neutral and non-polar, with valine, which is neutral and non-polar, at codon 305 of the GALNT2 protein (p.Met305Val). This variant has not been reported in the literature in individuals affected with GALNT2-related conditions. Algorithms developed to predict the effect of missense changes on protein structure and function (SIFT, PolyPhen-2, Align-GVGD) all suggest that this variant is likely to be tolerated. In summary, the available evidence is currently insufficient to determine the role of this variant in disease. Therefore, it has been classified as a Variant of Uncertain Significance.